The following is an entry in ClinVar:

ClinVar aggregate classification (germline): Uncertain significance. Review status: criteria provided, multiple submitters, no conflicts (2 of 4 stars). 2 submissions from 2 submitters: Uncertain significance (2). Last evaluated 2022-06-30.

Conditions:
Inborn genetic diseases. Identifiers: MedGen C0950123, MeSH D030342.
Brachyolmia-amelogenesis imperfecta syndrome. Also called: PLATYSPONDYLY WITH AMELOGENESIS IMPERFECTA; Tooth agenesis, selective, 6; Dental anomalies and short stature. Identifiers: Orphanet 2899, MedGen C1832594, MONDO:0011018, OMIM 601216. Disease mechanism: loss of function.

Submissions (2):

Labcorp Genetics (formerly Invitae), Labcorp
Classification: Uncertain significance for Brachyolmia-amelogenesis imperfecta syndrome. Last evaluated: 2022-06-30. Review status: criteria provided, single submitter. Criteria: Invitae Variant Classification Sherloc (09022015). Collection method: clinical testing. Allele origin: germline.
Comment: This variant has not been reported in the literature in individuals affected with LTBP3-related conditions. This variant is not present in population databases (gnomAD no frequency). This sequence change replaces proline, which is neutral and non-polar, with serine, which is neutral and polar, at codon 143 of the LTBP3 protein (p.Pro143Ser). Algorithms developed to predict the effect of missense changes on protein structure and function are either unavailable or do not agree on the potential impact of this missense change (SIFT: "Deleterious"; PolyPhen-2: "Probably Damaging"; Align-GVGD: "Class C0"). In summary, the available evidence is currently insufficient to determine the role of this variant in disease. Therefore, it has been classified as a Variant of Uncertain Significance.

Ambry Genetics
Classification: Uncertain significance for Inborn genetic diseases. Last evaluated: 2022-04-19. Review status: criteria provided, single submitter. Criteria: Ambry Variant Classification Scheme 2023. Collection method: clinical testing. Allele origin: germline.
Comment: The p.P143S variant (also known as c.427C>T), located in coding exon 2 of the LTBP3 gene, results from a C to T substitution at nucleotide position 427. The proline at codon 143 is replaced by serine, an amino acid with similar properties. This amino acid position is conserved. In addition, the in silico prediction for this alteration is inconclusive. Since supporting evidence is limited at this time, the clinical significance of this alteration remains unclear.

NM_001130144.3(LTBP3):c.427C>T (p.Pro143Ser)

Gene: LTBP3 (latent transforming growth factor beta binding protein 3; minus strand). Cytogenetic location: 11q13.1.
Variant type: single nucleotide variant.
Coding change: c.427C>T on transcript NM_001130144.3 (MANE Select); coding-DNA position 427, C replaced by T.
Protein change: p.Pro143Ser; replaces proline 143 with serine.
Molecular consequence: missense variant.
Genome position (GRCh38, 1-based): chr11:65,554,285, G>A on the plus strand (C>T on the coding strand, the complement: LTBP3 is on the minus strand). VCF-style: chr11-65554285-G-A. GRCh37 (hg19) VCF-style: chr11-65321756-G-A.
Other names: c.76C>T, p.Pro26Ser (NM_001164266.1); c.427C>T, p.Pro143Ser (NM_021070.4); short protein forms P26S, P143S.
Identifiers: ClinVar variation 1739326 (VCV001739326.7), dbSNP rs1565101720, ClinGen allele CA381276633.